The following is an entry in ClinVar:

ClinVar aggregate classification (germline): Uncertain significance (1 of 4 stars; one submission).

gnomAD v4.1: 34 of 1,613,952 alleles (0.0021%); highest among the groups gnomAD compares: Admixed American, 0.037%; no homozygotes.

Submission:

Labcorp Genetics (formerly Invitae), Labcorp
Classification: Uncertain significance. Last evaluated: 2025-09-04. Review status: criteria provided, single submitter. Criteria: Invitae Variant Classification Sherloc (09022015). Collection method: clinical testing. Allele origin: germline.
Comment: This sequence change replaces glycine, which is neutral and non-polar, with serine, which is neutral and polar, at codon 189 of the TFAP2B protein (p.Gly189Ser). This variant is present in population databases (rs544863159, gnomAD 0.07%), and has an allele count higher than expected for a pathogenic variant. This variant has not been reported in the literature in individuals affected with TFAP2B-related conditions. Invitae Evidence Modeling of protein sequence and biophysical properties (such as structural, functional, and spatial information, amino acid conservation, physicochemical variation, residue mobility, and thermodynamic stability) indicates that this missense variant is not expected to disrupt TFAP2B protein function with a negative predictive value of 80%. In summary, the available evidence is currently insufficient to determine the role of this variant in disease. Therefore, it has been classified as a Variant of Uncertain Significance.

NM_003221.4(TFAP2B):c.565G>A (p.Gly189Ser)

Gene: TFAP2B (transcription factor AP-2 beta; plus strand). Cytogenetic location: 6p12.3.
Variant type: single nucleotide variant.
Coding change: c.565G>A on transcript NM_003221.4 (MANE Select); coding-DNA position 565, G replaced by A.
Protein change: p.Gly189Ser; replaces glycine 189 with serine.
Molecular consequence: missense variant.
Genome position (GRCh38, 1-based): chr6:50,828,643, G>A. VCF-style: chr6-50828643-G-A. GRCh37 (hg19) VCF-style: chr6-50796356-G-A.
Other names: short protein forms G189S.
Identifiers: ClinVar variation 4738085 (VCV004738085.1).